The following is an entry in ClinVar:

NM_004813.4(PEX16):c.885C>T (p.Ser295=)

Gene: PEX16 (peroxisomal biogenesis factor 16; minus strand). Cytogenetic location: 11p11.2.
Variant type: single nucleotide variant.
Coding change: c.885C>T on transcript NM_004813.4 (MANE Select); coding-DNA position 885, C replaced by T.
Protein change: p.Ser295=; no amino-acid change (serine 295 retained).
Molecular consequence: synonymous variant.
Genome position (GRCh38, 1-based): chr11:45,913,821, G>A on the plus strand (C>T on the coding strand, the complement: PEX16 is on the minus strand). VCF-style: chr11-45913821-G-A. GRCh37 (hg19) VCF-style: chr11-45935372-G-A.
Other names: c.885C>T (NM_004813.2); c.885C>T, p.Ser295= (NM_057174.3).
Identifiers: ClinVar variation 594434 (VCV000594434.17), dbSNP rs200415017, ClinGen allele CA5959787.

ClinVar aggregate classification (germline): Conflicting classifications of pathogenicity. Review status: criteria provided, conflicting classifications (1 of 4 stars). 3 submissions from 3 submitters: Uncertain significance (1); Likely benign (1). 1 of the submissions does not count toward it. Last evaluated 2026-01-13.

Conditions:
PEX16-related disorder. Also called: PEX16-related condition.
Peroxisome biogenesis disorder. Identifiers: Orphanet 79189, MedGen C1832200, MONDO:0019234. Disease mechanism: loss of function.

Allele frequency attached by ClinVar (database versions not stated): gnomAD 0.00002 and 0.00003; gnomAD exomes 0.00004 and 0.00005; ExAC 0.00007; TOPMed 0.00008; 1000 Genomes Project 0.00060; 1000 Genomes Project 30x 0.00078.
gnomAD v4.1: 72 of 1,614,012 alleles (0.0045%); highest among the groups gnomAD compares: Admixed American, 0.02%; no homozygotes.

Submissions (4):

Labcorp Genetics (formerly Invitae), Labcorp
Classification: Likely benign for Peroxisome biogenesis disorder. Last evaluated: 2026-01-13. Review status: criteria provided, single submitter. Criteria: Invitae Variant Classification Sherloc (09022015). Collection method: clinical testing. Allele origin: germline.

Eurofins Ntd Llc (ga)
Classification: Uncertain significance. Last evaluated: 2017-10-05. Review status: criteria provided, single submitter. Criteria: EGL Classification Definitions 2015. Collection method: clinical testing. Allele origin: germline. Observed: 2 variant alleles, 2 heterozygotes.

PreventionGenetics, part of Exact Sciences
Classification: Likely benign for PEX16-related condition. Last evaluated: 2023-10-11. Review status: no assertion criteria provided. Collection method: clinical testing. Allele origin: germline. Not counted in ClinVar's aggregate classification.
Comment: This variant is classified as likely benign based on ACMG/AMP sequence variant interpretation guidelines (Richards et al. 2015 PMID: 25741868, with internal and published modifications).

Dr. Peter K. Rogan Lab, Western University
No classification provided (evidence only). Condition: Melanoma. Review status: no classification provided. Collection method: in vitro. Allele origin: not applicable. Functional consequence: retained intron. Not counted in ClinVar's aggregate classification.